The following is an entry in ClinVar:

NM_022772.4(EPS8L2):c.184A>T (p.Met62Leu)

Gene: EPS8L2 (EPS8 signaling adaptor L2; plus strand). Cytogenetic location: 11p15.5.
Variant type: single nucleotide variant.
Coding change: c.184A>T on transcript NM_022772.4 (MANE Select); coding-DNA position 184, A replaced by T.
Protein change: p.Met62Leu; replaces methionine 62 with leucine.
Molecular consequence: missense variant.
Genome position (GRCh38, 1-based): chr11:720,080, A>T. VCF-style: chr11-720080-A-T. GRCh37 (hg19) VCF-style: chr11-720080-A-T.
Other names: c.184A>T (NM_022772.3); short protein forms M62L.
Identifiers: ClinVar variation 1441380 (VCV001441380.9), dbSNP rs780112279, ClinGen allele CA5787080.

ClinVar aggregate classification (germline): Uncertain significance. Review status: criteria provided, multiple submitters, no conflicts (2 of 4 stars). 4 submissions from 4 submitters: Uncertain significance (3). 1 of the submissions does not count toward it. Last evaluated 2025-12-15.

Conditions:
EPS8L2-related disorder. Also called: EPS8L2-related condition.

Allele frequency attached by ClinVar (database versions not stated): ExAC 0.00013.
gnomAD v4.1: 348 of 1,612,834 alleles (0.022%); highest among the groups gnomAD compares: Non-Finnish European, 0.024%; 1 homozygote.

Submissions (4):

Labcorp Genetics (formerly Invitae), Labcorp
Classification: Uncertain significance. Last evaluated: 2025-12-15. Review status: criteria provided, single submitter. Criteria: Invitae Variant Classification Sherloc (09022015). Collection method: clinical testing. Allele origin: germline.
Comment: This sequence change replaces methionine, which is neutral and non-polar, with leucine, which is neutral and non-polar, at codon 62 of the EPS8L2 protein (p.Met62Leu). This variant is present in population databases (rs780112279, gnomAD 0.1%). This variant has not been reported in the literature in individuals affected with EPS8L2-related conditions. ClinVar contains an entry for this variant (Variation ID: 1441380). An algorithm developed to predict the effect of missense changes on protein structure and function (PolyPhen-2) suggests that this variant is likely to be disruptive. In summary, the available evidence is currently insufficient to determine the role of this variant in disease. Therefore, it has been classified as a Variant of Uncertain Significance.

Ambry Genetics
Classification: Uncertain significance. Last evaluated: 2024-11-27. Review status: criteria provided, single submitter. Criteria: Ambry Variant Classification Scheme 2023. Collection method: clinical testing. Allele origin: germline.

Blueprint Genetics
Classification: Uncertain significance. Last evaluated: 2024-11-14. Review status: criteria provided, single submitter. Criteria: ACMG Guidelines, 2015. Collection method: clinical testing. Allele origin: germline.

PreventionGenetics, part of Exact Sciences
Classification: Likely benign for EPS8L2-related condition. Last evaluated: 2022-09-23. Review status: no assertion criteria provided. Collection method: clinical testing. Allele origin: germline. Not counted in ClinVar's aggregate classification.
Comment: This variant is classified as likely benign based on ACMG/AMP sequence variant interpretation guidelines (Richards et al. 2015 PMID: 25741868, with internal and published modifications).